The following is an entry in ClinVar:

NM_145886.4(PIDD1):c.308G>A (p.Arg103Gln)

Gene: PIDD1 (p53-induced death domain protein 1; minus strand). Cytogenetic location: 11p15.5.
Variant type: single nucleotide variant.
Coding change: c.308G>A on transcript NM_145886.4 (MANE Select); coding-DNA position 308, G replaced by A.
Protein change: p.Arg103Gln; replaces arginine 103 with glutamine.
Molecular consequence: missense variant.
Genome position (GRCh38, 1-based): chr11:803,575, C>T on the plus strand (G>A on the coding strand, the complement: PIDD1 is on the minus strand). VCF-style: chr11-803575-C-T. GRCh37 (hg19) VCF-style: chr11-803575-C-T.
Other names: c.308G>A, p.Arg103Gln (NM_145887.4); short protein forms R103Q.
Identifiers: ClinVar variation 2472051 (VCV002472051.4), dbSNP rs148866521, ClinGen allele CA5790485.
Genomic context (GRCh38, chr11:803,575, plus strand): 5'-CCACTCAGACCAGCGGGCAGGTTGGTCAGGGCACCCCGGAGACAGGCACCCAGTGTGTCC[C>T]GGCGTTGCCCTCCTGGGAAGGGGGGAGGCGGATGTGGCCCTCAGAGCCAGGGTCCGAGGT-3'
Protein context (NP_665893.2, residues 93-113): RSLVLKGGQR[Arg103Gln]DTLGACLRGA

ClinVar aggregate classification (germline): Conflicting classifications of pathogenicity. Review status: criteria provided, conflicting classifications (1 of 4 stars). 2 submissions from 2 submitters: Uncertain significance (1); Likely benign (1). Last evaluated 2025-10-29.

Conditions:
Inborn genetic diseases. Identifiers: MedGen C0950123, MeSH D030342.
Intellectual developmental disorder, autosomal recessive 75, with neuropsychiatric features and variant lissencephaly (MRT75). Identifiers: MedGen C5676961, MONDO:0030785, OMIM 619827.

Allele frequency attached by ClinVar (database versions not stated): gnomAD 0.00006; ExAC 0.00022; ESP Exome Variant Server 0.00015; 1000 Genomes Project 30x 0.00016; gnomAD exomes 0.00006; TOPMed 0.00007; 1000 Genomes Project 0.00020.
gnomAD v4.1: 101 of 1,607,756 alleles (0.0063%); highest among the groups gnomAD compares: South Asian, 0.045%; no homozygotes.

Submissions (2):

Ambry Genetics
Classification: Likely benign for Inborn genetic diseases. Last evaluated: 2025-10-29. Review status: criteria provided, single submitter. Criteria: Ambry Variant Classification Scheme 2023. Collection method: clinical testing. Allele origin: germline.

3billion
Classification: Uncertain significance for Intellectual developmental disorder, autosomal recessive 75, with neuropsychiatric features and variant lissencephaly. Last evaluated: 2024-06-18. Review status: criteria provided, single submitter. Criteria: ACMG Guidelines, 2015. Collection method: clinical testing. Allele origin: germline. Affected: yes.
Comment: The variant is observed at an extremely low frequency in the gnomAD v4.0.0 dataset (total allele frequency: 0.006%). Predicted Consequence/Location: Missense variant In silico tool predictions suggest no damaging effect of the variant on gene or gene product [REVEL: 0.04 (<0.4); 3Cnet: 0.01 (<0.15, specificity 0.78 and negative predictive value 0.92)]. Therefore, this variant is classified as VUS according to the recommendation of ACMG/AMP guideline.